The following is an entry in ClinVar:

ClinVar aggregate classification (germline): Uncertain significance (1 of 4 stars; one submission).

Submission:

GeneDx
Classification: Uncertain significance. Last evaluated: 2024-10-10. Review status: criteria provided, single submitter. Criteria: GeneDx Variant Classification Process June 2021. Collection method: clinical testing. Allele origin: germline. Affected: yes.
Comment: Not observed at significant frequency in large population cohorts (gnomAD); In silico analysis supports that this missense variant has a deleterious effect on protein structure/function; This variant is associated with the following publications: (PMID: 14633923, 31666091)

NM_020975.6(RET):c.691C>T (p.Arg231Cys)

Gene: RET (ret proto-oncogene; plus strand). Cytogenetic location: 10q11.21.
Variant type: single nucleotide variant.
Coding change: c.691C>T on transcript NM_020975.6 (MANE Select); coding-DNA position 691, C replaced by T.
Protein change: p.Arg231Cys; replaces arginine 231 with cysteine.
Molecular consequence: missense variant. On other transcripts: 5 prime UTR variant (1), intron variant (22).
Genome position (GRCh38, 1-based): chr10:43,105,017, C>T. VCF-style: chr10-43105017-C-T. GRCh37 (hg19) VCF-style: chr10-43600465-C-T.
Other names: c.-72C>T (NM_001355216.2); c.691C>T, p.Arg231Cys (NM_001406743.1, NM_001406744.1, NM_001406759.1 and 6 more transcripts); c.562C>T, p.Arg188Cys (NM_001406761.1, NM_001406762.1, NM_001406764.1 and 2 more transcripts); c.403C>T, p.Arg135Cys (NM_001406766.1, NM_001406767.1, NM_001406770.1); c.625+2388C>T (NM_001406773.1, NM_001406771.1, NM_001406782.1 and 5 more transcripts); c.496+2388C>T (NM_001406786.1, NM_001406783.1); c.338-4014C>T (NM_001406778.1, NM_001406775.1, NM_001406776.1 and 1 more transcripts); c.337+4295C>T (NM_001406790.1, NM_001406788.1, NM_001406789.1 and 1 more transcripts); and 2 more; short protein forms R135C, R188C, R231C.
Identifiers: ClinVar variation 3777332 (VCV003777332.1).